The following is an entry in ClinVar:

ClinVar aggregate classification (germline): Benign/Likely benign. Review status: criteria provided, multiple submitters, no conflicts (2 of 4 stars). 11 submissions from 11 submitters: Benign (5); Likely benign (6). Last evaluated 2026-01-24.

Conditions:
CFH-Related Dense Deposit Disease / Membranoproliferative Glomerulonephritis Type II. Identifiers: MedGen CN071292.
CFHR5 deficiency. Identifiers: MedGen C3553720.
Atypical hemolytic-uremic syndrome. Identifiers: Orphanet 2134, MedGen C2931788, MONDO:0016244.

Allele frequency attached by ClinVar (database versions not stated): 1000 Genomes Project 30x 0.00344; 1000 Genomes Project 0.00359; gnomAD 0.00689 and 0.00815; ESP Exome Variant Server 0.00692; gnomAD exomes 0.00727; ExAC 0.00729; TOPMed 0.00800.
gnomAD v4.1: 13,583 of 1,613,754 alleles (0.84%); highest among the groups gnomAD compares: Non-Finnish European, 0.95%; 89 homozygotes.

Submissions (11):

Labcorp Genetics (formerly Invitae), Labcorp
Classification: Benign. Last evaluated: 2026-01-24. Review status: criteria provided, single submitter. Criteria: Invitae Variant Classification Sherloc (09022015). Collection method: clinical testing. Allele origin: germline.

Women's Health and Genetics/Laboratory Corporation of America, LabCorp
Classification: Likely benign. Last evaluated: 2026-01-22. Review status: criteria provided, single submitter. Criteria: LabCorp Variant Classification Summary - May 2015. Collection method: clinical testing. Allele origin: germline.

Mayo Clinic Laboratories, Mayo Clinic
Classification: Likely benign. Last evaluated: 2025-11-24. Review status: criteria provided, single submitter. Criteria: ACMG Guidelines, 2015. Collection method: clinical testing. Allele origin: germline. Observed: 27 variant alleles.
Comment: BS1, BP1, BP4

CeGaT Center for Human Genetics Tuebingen
Classification: Likely benign. Last evaluated: 2024-11-01. Review status: criteria provided, single submitter. Criteria: CeGaT Center For Human Genetics Tuebingen Variant Classification Criteria Version 2. Collection method: clinical testing. Allele origin: germline. Affected: yes. Observed: 1 variant allele.
Comment: CFHR5: BP4, BS2

Genome-Nilou Lab
Classification: Likely benign for C3 glomerulonephritis. Last evaluated: 2023-04-11. Review status: criteria provided, single submitter. Criteria: ACMG Guidelines, 2015. Collection method: clinical testing. Allele origin: germline. Affected: no.

Genome Diagnostics Laboratory, The Hospital for Sick Children
Classification: Benign for Atypical hemolytic-uremic syndrome. Last evaluated: 2022-07-08. Review status: criteria provided, single submitter. Criteria: ACMG Guidelines, 2015. Collection method: clinical testing. Allele origin: germline.

Fulgent Genetics
Classification: Benign for C3 glomerulonephritis. Last evaluated: 2021-07-15. Review status: criteria provided, single submitter. Criteria: ACMG Guidelines, 2015. Collection method: clinical testing. Allele origin: unknown.

Genetic Services Laboratory, University of Chicago
Classification: Likely benign. Last evaluated: 2017-12-26. Review status: criteria provided, single submitter. Criteria: ACMG Guidelines, 2015. Collection method: clinical testing. Allele origin: germline. Affected: no.

Illumina Laboratory Services, Illumina
Classification: Benign for Membranoproliferative glomerulonephritis with complement factor h deficiency. Last evaluated: 2017-04-27. Review status: criteria provided, single submitter. Criteria: ICSL Variant Classification Criteria 13 December 2019. Collection method: clinical testing. Allele origin: germline.
Comment: This variant was observed as part of a predisposition screen in an ostensibly healthy population. A literature search was performed for the gene, cDNA change, and amino acid change (where applicable). No publications were found based on this search. Allele frequency data from public databases was too high to be consistent with this variant causing disease. Therefore, this variant is classified as benign.

Center for Pediatric Genomic Medicine, Children's Mercy Hospital and Clinics
Classification: Benign. Last evaluated: 2016-12-27. Review status: criteria provided, single submitter. Criteria: ACMG Guidelines, 2015. Collection method: clinical testing. Allele origin: germline.

Breakthrough Genomics
Classification: Likely benign. Review status: criteria provided, single submitter. Criteria: ACMG Guidelines, 2015. Collection method: not provided. Allele origin: germline. Inheritance: Autosomal dominant inheritance. Affected: yes.

Literature cited by the submitters: PubMed 29977033 (cited by Mayo Clinic Laboratories, Mayo Clinic); PubMed 33213850 (cited by Mayo Clinic Laboratories, Mayo Clinic); PubMed 37744338 (cited by Mayo Clinic Laboratories, Mayo Clinic).

NM_030787.4(CFHR5):c.832G>A (p.Gly278Ser)

Gene: CFHR5 (complement factor H related 5; plus strand). Cytogenetic location: 1q31.3.
Variant type: single nucleotide variant.
Coding change: c.832G>A on transcript NM_030787.4 (MANE Select); coding-DNA position 832, G replaced by A.
Protein change: p.Gly278Ser; replaces glycine 278 with serine.
Molecular consequence: missense variant.
Genome position (GRCh38, 1-based): chr1:196,996,063, G>A. VCF-style: chr1-196996063-G-A. GRCh37 (hg19) VCF-style: chr1-196965193-G-A.
Other names: p.Gly278Ser; short protein forms G278S.
Identifiers: ClinVar variation 377177 (VCV000377177.37), dbSNP rs139017763, ClinGen allele CA1307892.